The following is an entry in ClinVar:

ClinVar aggregate classification (germline): Uncertain significance. Review status: criteria provided, multiple submitters, no conflicts (2 of 4 stars). 3 submissions from 3 submitters: Uncertain significance (3). Last evaluated 2026-01-20.

Conditions:
Ehlers-Danlos syndrome, kyphoscoliotic type 1 (EDSKSCL1). Also called: EHLERS-DANLOS SYNDROME, TYPE VIA; EHLERS-DANLOS SYNDROME, OCULAR-SCOLIOTIC TYPE; PLOD1-Related Kyphoscoliotic Ehlers-Danlos Syndrome; Ehlers-Danlos syndrome, hydroxylysine-deficient. Identifiers: Orphanet 1900, MedGen C0268342, MONDO:0016002, OMIM 225400. Disease mechanism: loss of function.
Familial thoracic aortic aneurysm and aortic dissection (TAAD). Also called: Thoracic aortic aneurysms and dissections. Identifiers: Orphanet 91387, MedGen C4707243, MONDO:0019625.

Allele frequency attached by ClinVar (database versions not stated): gnomAD exomes below 0.00001 and 0.00001; TOPMed 0.00001; gnomAD 0.00002.
gnomAD v4.1: 12 of 1,613,774 alleles (0.00074%); highest among the groups gnomAD compares: South Asian, 0.0033%; no homozygotes.

Submissions (3):

GeneDx
Classification: Uncertain significance. Last evaluated: 2026-01-20. Review status: criteria provided, single submitter. Criteria: GeneDx Variant Classification Process June 2021. Collection method: clinical testing. Allele origin: germline. Affected: yes.
Comment: Not observed at significant frequency in large population cohorts (gnomAD); In silico analysis supports that this missense variant has a deleterious effect on protein structure/function; Has not been previously published as pathogenic or benign to our knowledge

Ambry Genetics
Classification: Uncertain significance for Familial thoracic aortic aneurysm and aortic dissection. Last evaluated: 2025-12-07. Review status: criteria provided, single submitter. Criteria: Ambry Variant Classification Scheme 2023. Collection method: clinical testing. Allele origin: germline.
Comment: The p.G61E variant (also known as c.182G>A), located in coding exon 3 of the PLOD1 gene, results from a G to A substitution at nucleotide position 182. The glycine at codon 61 is replaced by glutamic acid, an amino acid with similar properties. This amino acid position is conserved. In addition, the in silico prediction for this alteration is inconclusive. Since supporting evidence is limited at this time, the clinical significance of this alteration remains unclear.

Labcorp Genetics (formerly Invitae), Labcorp
Classification: Uncertain significance for Ehlers-Danlos syndrome, kyphoscoliotic type 1. Last evaluated: 2024-01-08. Review status: criteria provided, single submitter. Criteria: Invitae Variant Classification Sherloc (09022015). Collection method: clinical testing. Allele origin: germline.
Comment: This sequence change replaces glycine, which is neutral and non-polar, with glutamic acid, which is acidic and polar, at codon 61 of the PLOD1 protein (p.Gly61Glu). This variant is present in population databases (no rsID available, gnomAD 0.002%). This variant has not been reported in the literature in individuals affected with PLOD1-related conditions. ClinVar contains an entry for this variant (Variation ID: 1309819). Advanced modeling of protein sequence and biophysical properties (such as structural, functional, and spatial information, amino acid conservation, physicochemical variation, residue mobility, and thermodynamic stability) performed at Invitae indicates that this missense variant is not expected to disrupt PLOD1 protein function with a negative predictive value of 80%. In summary, the available evidence is currently insufficient to determine the role of this variant in disease. Therefore, it has been classified as a Variant of Uncertain Significance.

NM_000302.4(PLOD1):c.182G>A (p.Gly61Glu)

Gene: PLOD1 (procollagen-lysine,2-oxoglutarate 5-dioxygenase 1; plus strand). Cytogenetic location: 1p36.22.
Variant type: single nucleotide variant.
Coding change: c.182G>A on transcript NM_000302.4 (MANE Select); coding-DNA position 182, G replaced by A.
Protein change: p.Gly61Glu; replaces glycine 61 with glutamic acid.
Molecular consequence: missense variant.
Genome position (GRCh38, 1-based): chr1:11,949,786, G>A. VCF-style: chr1-11949786-G-A. GRCh37 (hg19) VCF-style: chr1-12009843-G-A.
Other names: c.323G>A, p.Gly108Glu (NM_001316320.2); short protein forms G108E, G61E.
Identifiers: ClinVar variation 1309819 (VCV001309819.8), dbSNP rs1485759254, ClinGen allele CA338426160.
Genomic context (GRCh38, chr1:11,949,786, plus strand): 5'-AAATATTTCTTTACCAAAAGCCCGTGTTAAGGGGTGTTTCTCTCCAGGCGCTTGGCCTAG[G>A]GGAGGACTGGAATGTGGAGAAGGGGACGTCGGCAGGTGGAGGGCAGAAGGTCCGGCTGCT-3'
Protein context (NP_000293.2, residues 51-71): FNYKIQALGL[Gly61Glu]EDWNVEKGTS